The following is an entry in ClinVar:

ClinVar aggregate classification (germline): Uncertain significance. Review status: criteria provided, multiple submitters, no conflicts (2 of 4 stars). 2 submissions from 2 submitters: Uncertain significance (2). Last evaluated 2023-09-21.

Conditions:
Inborn genetic diseases. Identifiers: MedGen C0950123, MeSH D030342.

Allele frequency attached by ClinVar (database versions not stated): gnomAD exomes below 0.00001.

Submissions (2):

Ambry Genetics
Classification: Uncertain significance for Inborn genetic diseases. Last evaluated: 2023-09-21. Review status: criteria provided, single submitter. Criteria: Ambry Variant Classification Scheme 2023. Collection method: clinical testing. Allele origin: germline.

Labcorp Genetics (formerly Invitae), Labcorp
Classification: Uncertain significance. Last evaluated: 2022-07-27. Review status: criteria provided, single submitter. Criteria: Invitae Variant Classification Sherloc (09022015). Collection method: clinical testing. Allele origin: germline.
Comment: In summary, the available evidence is currently insufficient to determine the role of this variant in disease. Therefore, it has been classified as a Variant of Uncertain Significance. This sequence change replaces valine, which is neutral and non-polar, with phenylalanine, which is neutral and non-polar, at codon 1403 of the ARHGAP31 protein (p.Val1403Phe). This variant is not present in population databases (gnomAD no frequency). This missense change has been observed in individual(s) with clinical features of ARHGAP31-related conditions (Invitae). ClinVar contains an entry for this variant (Variation ID: 1010250). Algorithms developed to predict the effect of missense changes on protein structure and function are either unavailable or do not agree on the potential impact of this missense change (SIFT: "Tolerated"; PolyPhen-2: "Probably Damaging"; Align-GVGD: "Class C0").

NM_020754.4(ARHGAP31):c.4207G>T (p.Val1403Phe)

Gene: ARHGAP31 (Rho GTPase activating protein 31; plus strand). Cytogenetic location: 3q13.33.
Variant type: single nucleotide variant.
Coding change: c.4207G>T on transcript NM_020754.4 (MANE Select); coding-DNA position 4207, G replaced by T.
Protein change: p.Val1403Phe; replaces valine 1403 with phenylalanine.
Molecular consequence: missense variant.
Genome position (GRCh38, 1-based): chr3:119,416,136, G>T. VCF-style: chr3-119416136-G-T. GRCh37 (hg19) VCF-style: chr3-119134983-G-T.
Other names: c.4207G>T (NM_020754.2); short protein forms V1403F.
Identifiers: ClinVar variation 1010250 (VCV001010250.9), dbSNP rs1577038027, ClinGen allele CA354062201.
Genomic context (GRCh38, chr3:119,416,136, plus strand): 5'-GTTTCCCCTGGCCTTCTTTGTGGAGAGTTGGCAGAAAACACATGGGTCACACCAGAAGGG[G>T]TTACACTTAGGAATAAAATGACCATCCCTAAGAATGGCCAGAGACTAGAGACCTCAACCA-3'
Protein context (NP_065805.2, residues 1393-1413): AENTWVTPEG[Val1403Phe]TLRNKMTIPK